The following is an entry in ClinVar:

NM_005733.3(KIF20A):c.398A>G (p.Gln133Arg)

Gene: KIF20A (kinesin family member 20A; plus strand). Cytogenetic location: 5q31.2.
Variant type: single nucleotide variant.
Coding change: c.398A>G on transcript NM_005733.3 (MANE Select); coding-DNA position 398, A replaced by G.
Protein change: p.Gln133Arg; replaces glutamine 133 with arginine.
Molecular consequence: missense variant.
Genome position (GRCh38, 1-based): chr5:138,182,345, A>G. VCF-style: chr5-138182345-A-G. GRCh37 (hg19) VCF-style: chr5-137518034-A-G.
Other names: short protein forms Q133R.
Identifiers: ClinVar variation 2118753 (VCV002118753.4), dbSNP rs1456116547, ClinGen allele CA361113041.

ClinVar aggregate classification (germline): Uncertain significance (1 of 4 stars; one submission).

Submission:

Labcorp Genetics (formerly Invitae), Labcorp
Classification: Uncertain significance. Last evaluated: 2022-03-28. Review status: criteria provided, single submitter. Criteria: Invitae Variant Classification Sherloc (09022015). Collection method: clinical testing. Allele origin: germline.
Comment: In summary, the available evidence is currently insufficient to determine the role of this variant in disease. Therefore, it has been classified as a Variant of Uncertain Significance. Algorithms developed to predict the effect of missense changes on protein structure and function (SIFT, PolyPhen-2, Align-GVGD) all suggest that this variant is likely to be disruptive. This variant has not been reported in the literature in individuals affected with KIF20A-related conditions. This variant is not present in population databases (gnomAD no frequency). This sequence change replaces glutamine, which is neutral and polar, with arginine, which is basic and polar, at codon 133 of the KIF20A protein (p.Gln133Arg).